The following is an entry in ClinVar:

NM_003579.4(RAD54L):c.628G>C (p.Glu210Gln)

Gene: RAD54L (RAD54 like; plus strand). Cytogenetic location: 1p34.1.
Variant type: single nucleotide variant.
Coding change: c.628G>C on transcript NM_003579.4 (MANE Select); coding-DNA position 628, G replaced by C.
Protein change: p.Glu210Gln; replaces glutamic acid 210 with glutamine.
Molecular consequence: missense variant.
Genome position (GRCh38, 1-based): chr1:46,260,877, G>C. VCF-style: chr1-46260877-G-C. GRCh37 (hg19) VCF-style: chr1-46726549-G-C.
Other names: c.628G>C, p.Glu210Gln (NM_001142548.2); c.88G>C, p.Glu30Gln (NM_001370766.1); short protein forms E210Q, E30Q.
Identifiers: ClinVar variation 1752654 (VCV001752654.2), dbSNP rs2525669547, ClinGen allele CA340186741.

ClinVar aggregate classification (germline): Uncertain significance (1 of 4 stars; one submission).

Submission:

Ambry Genetics
Classification: Uncertain significance. Last evaluated: 2022-07-28. Review status: criteria provided, single submitter. Criteria: Ambry Variant Classification Scheme 2023. Collection method: clinical testing. Allele origin: germline.
Comment: The p.E210Q variant (also known as c.628G>C), located in coding exon 7 of the RAD54L gene, results from a G to C substitution at nucleotide position 628. The glutamic acid at codon 210 is replaced by glutamine, an amino acid with highly similar properties. This amino acid position is conserved. In addition, the in silico prediction for this alteration is inconclusive. Since supporting evidence is limited at this time, the clinical significance of this alteration remains unclear.